The following is an entry in ClinVar:

ClinVar aggregate classification (germline): Benign/Likely benign. Review status: criteria provided, multiple submitters, no conflicts (2 of 4 stars). 4 submissions from 4 submitters: Benign (2); Likely benign (2). Last evaluated 2026-01-18.

Conditions:
Erythrocytosis, familial, 3 (ECYT3). Identifiers: Orphanet 247511, MedGen C1853286, MONDO:0012353, OMIM 609820.

Allele frequency attached by ClinVar (database versions not stated): gnomAD 0.00007 and 0.00009; ESP Exome Variant Server 0.00008; TOPMed 0.00021; gnomAD exomes 0.00031 and 0.00069; ExAC 0.00054.
gnomAD v4.1: 199 of 1,614,002 alleles (0.012%); highest among the groups gnomAD compares: Admixed American, 0.32%; 1 homozygote.

Submissions (4):

Labcorp Genetics (formerly Invitae), Labcorp
Classification: Benign for Erythrocytosis, familial, 3. Last evaluated: 2026-01-18. Review status: criteria provided, single submitter. Criteria: Invitae Variant Classification Sherloc (09022015). Collection method: clinical testing. Allele origin: germline.

ARUP Laboratories, Molecular Genetics and Genomics, ARUP Laboratories
Classification: Benign. Last evaluated: 2023-09-14. Review status: criteria provided, single submitter. Criteria: ARUP Molecular Germline Variant Investigation Process 2024. Collection method: clinical testing. Allele origin: germline.

CeGaT Center for Human Genetics Tuebingen
Classification: Likely benign. Last evaluated: 2022-11-01. Review status: criteria provided, single submitter. Criteria: CeGaT Center For Human Genetics Tuebingen Variant Classification Criteria Version 2. Collection method: clinical testing. Allele origin: germline. Affected: yes. Observed: 1 variant allele.
Comment: EGLN1: BP4, BP7

Ambry Genetics
Classification: Likely benign. Last evaluated: 2022-03-02. Review status: criteria provided, single submitter. Criteria: Ambry Variant Classification Scheme 2023. Collection method: clinical testing. Allele origin: germline.

NM_022051.3(EGLN1):c.843C>T (p.Arg281=)

Genes: EGLN1 (egl-9 family hypoxia inducible factor 1; minus strand), LOC129932769 (ATAC-STARR-seq lymphoblastoid active region 2730; plus strand). Cytogenetic location: 1q42.2.
Variant type: single nucleotide variant.
Coding change: c.843C>T on transcript NM_022051.3 (MANE Select); coding-DNA position 843, C replaced by T.
Protein change: p.Arg281=; no amino-acid change (arginine 281 retained).
Molecular consequence: synonymous variant.
Genome position (GRCh38, 1-based): chr1:231,421,046, G>A on the plus strand (C>T on the coding strand, the complement: EGLN1 is on the minus strand). VCF-style: chr1-231421046-G-A. GRCh37 (hg19) VCF-style: chr1-231556792-G-A.
Other names: c.843C>T, p.Arg281= (NM_001377260.1, NM_001377261.1).
Identifiers: ClinVar variation 698428 (VCV000698428.37), dbSNP rs143108243, ClinGen allele CA1453096.